The following is an entry in ClinVar:

NM_016035.3(COQ4):c.-25C>T

Gene: COQ4 (coenzyme Q4; plus strand). Cytogenetic location: 9q34.11.
Variant type: single nucleotide variant.
Coding change: c.-25C>T on transcript NM_016035.3; 25 bases upstream of the start codon, C replaced by T.
Genome position (GRCh38, 1-based): chr9:128,322,834, C>T. VCF-style: chr9-128322834-C-T. GRCh37 (hg19) VCF-style: chr9-131085113-C-T.
Identifiers: ClinVar variation 381170 (VCV000381170.4), dbSNP rs144235048, ClinGen allele CA5260343.
Genomic context (GRCh38, chr9:128,322,834, plus strand): 5'-GAGTTTTGACCCCTCCGACGCTCCGTCGCCTGACAGAATCGCGGCGTTCTTCGTACCCGC[C>T]CATCCTCCGCGGACGCCCGCTGCCATGGCGACTCTGCTGCGCCCTGTCCTCCGTCGGCTC-3'

ClinVar aggregate classification (germline): Benign. Review status: criteria provided, multiple submitters, no conflicts (2 of 4 stars). 2 submissions from 2 submitters: Benign (2). Last evaluated 2016-06-30.

Allele frequency attached by ClinVar (database versions not stated): gnomAD 0.00446 and 0.00354; 1000 Genomes Project 0.01178; TOPMed 0.00430; 1000 Genomes Project 30x 0.01187; ESP Exome Variant Server 0.00257.

Submissions (2):

GeneDx
Classification: Benign. Last evaluated: 2016-06-30. Review status: criteria provided, single submitter. Criteria: GeneDx Variant Classification (06012015). Collection method: clinical testing. Allele origin: germline. Affected: yes.
Comment: This variant is considered likely benign or benign based on one or more of the following criteria: it is a conservative change, it occurs at a poorly conserved position in the protein, it is predicted to be benign by multiple in silico algorithms, and/or has population frequency not consistent with disease.

Breakthrough Genomics
Classification: Benign. Review status: criteria provided, single submitter. Criteria: ACMG Guidelines, 2015. Collection method: not provided. Allele origin: germline. Inheritance: Autosomal recessive inheritance. Affected: yes.